The following is an entry in ClinVar:

ClinVar aggregate classification (germline): Uncertain significance (1 of 4 stars; one submission).

Submission:

Labcorp Genetics (formerly Invitae), Labcorp
Classification: Uncertain significance. Last evaluated: 2023-11-18. Review status: criteria provided, single submitter. Criteria: Invitae Variant Classification Sherloc (09022015). Collection method: clinical testing. Allele origin: germline.
Comment: This sequence change replaces aspartic acid, which is acidic and polar, with glycine, which is neutral and non-polar, at codon 575 of the NAA15 protein (p.Asp575Gly). This variant is not present in population databases (gnomAD no frequency). This variant has not been reported in the literature in individuals affected with NAA15-related conditions. An algorithm developed to predict the effect of missense changes on protein structure and function (PolyPhen-2) suggests that this variant is likely to be tolerated. Algorithms developed to predict the effect of sequence changes on RNA splicing suggest that this variant may disrupt the consensus splice site. In summary, the available evidence is currently insufficient to determine the role of this variant in disease. Therefore, it has been classified as a Variant of Uncertain Significance.

NM_057175.5(NAA15):c.1724A>G (p.Asp575Gly)

Gene: NAA15 (N-alpha-acetyltransferase 15, NatA auxiliary subunit; plus strand). Cytogenetic location: 4q31.1.
Variant type: single nucleotide variant.
Coding change: c.1724A>G on transcript NM_057175.5 (MANE Select); coding-DNA position 1724, A replaced by G.
Protein change: p.Asp575Gly; replaces aspartic acid 575 with glycine.
Molecular consequence: missense variant.
Genome position (GRCh38, 1-based): chr4:139,361,908, A>G. VCF-style: chr4-139361908-A-G. GRCh37 (hg19) VCF-style: chr4-140283062-A-G.
Other names: c.1724A>G, p.Asp575Gly (NM_001410842.1); c.*133A>G (NM_025085.2); short protein forms D575G.
Identifiers: ClinVar variation 2697100 (VCV002697100.3), dbSNP rs2530422072, ClinGen allele CA358268578.